The following is an entry in ClinVar:

ClinVar aggregate classification (germline): Uncertain significance. Review status: criteria provided, single submitter (1 of 4 stars). 2 submissions from 2 submitters: Uncertain significance (1). 1 of the submissions does not count toward it. Last evaluated 2019-09-23.

Conditions:
KIT-related disorder. Also called: KIT-related condition.
Gastrointestinal stromal tumor. Also called: Gastrointestinal stromal tumor, somatic; Gastrointestinal stroma tumor. Identifiers: Orphanet 44890, MedGen C0238198, MeSH D046152, MONDO:0011719, OMIM 606764, HP:0100723.

Submissions (2):

Labcorp Genetics (formerly Invitae), Labcorp
Classification: Uncertain significance for Gastrointestinal stromal tumor. Last evaluated: 2019-09-23. Review status: criteria provided, single submitter. Criteria: Invitae Variant Classification Sherloc (09022015). Collection method: clinical testing. Allele origin: germline.
Comment: Algorithms developed to predict the effect of missense changes on protein structure and function output the following: SIFT: "Deleterious"; PolyPhen-2: "Benign"; Align-GVGD: "Class C0". The leucine amino acid residue is found in multiple mammalian species, suggesting that this missense change does not adversely affect protein function. These predictions have not been confirmed by published functional studies and their clinical significance is uncertain. In summary, the available evidence is currently insufficient to determine the role of this variant in disease. Therefore, it has been classified as a Variant of Uncertain Significance. This sequence change replaces phenylalanine with leucine at codon 162 of the KIT protein (p.Phe162Leu). The phenylalanine residue is highly conserved and there is a small physicochemical difference between phenylalanine and leucine. This variant is not present in population databases (ExAC no frequency). This variant has not been reported in the literature in individuals with KIT-related conditions.

PreventionGenetics, part of Exact Sciences
Classification: Uncertain significance for KIT-related condition. Last evaluated: 2023-10-25. Review status: no assertion criteria provided. Collection method: clinical testing. Allele origin: germline. Not counted in ClinVar's aggregate classification.
Comment: The KIT c.484T>C variant is predicted to result in the amino acid substitution p.Phe162Leu. To our knowledge, this variant has not been reported in the literature or in a large population database, indicating this variant is rare. This variant is interpreted as uncertain significance in ClinVar. At this time, the clinical significance of this variant is uncertain due to the absence of conclusive functional and genetic evidence.

NM_000222.3(KIT):c.484T>C (p.Phe162Leu)

Gene: KIT (KIT proto-oncogene, receptor tyrosine kinase; plus strand). Cytogenetic location: 4q12.
Variant type: single nucleotide variant.
Coding change: c.484T>C on transcript NM_000222.3 (MANE Select); coding-DNA position 484, T replaced by C.
Protein change: p.Phe162Leu; replaces phenylalanine 162 with leucine.
Molecular consequence: missense variant.
Genome position (GRCh38, 1-based): chr4:54,698,430, T>C. VCF-style: chr4-54698430-T-C. GRCh37 (hg19) VCF-style: chr4-55564596-T-C.
Other names: c.484T>C, p.Phe162Leu (NM_001093772.2, NM_001385284.1, NM_001385285.1 and 4 more transcripts); short protein forms F162L.
Identifiers: ClinVar variation 942277 (VCV000942277.12), dbSNP rs201222895, ClinGen allele CA356897684.